The following is an entry in ClinVar:

ClinVar aggregate classification (germline): Uncertain significance (1 of 4 stars; one submission).

Conditions:
Wilms tumor 1 (WT1). Also called: Wilms tumor, somatic. Identifiers: Orphanet 654, MedGen CN033288, MONDO:0008679, OMIM 194070.

Submission:

Labcorp Genetics (formerly Invitae), Labcorp
Classification: Uncertain significance for Wilms tumor 1. Last evaluated: 2024-11-22. Review status: criteria provided, single submitter. Criteria: Invitae Variant Classification Sherloc (09022015). Collection method: clinical testing. Allele origin: germline.
Comment: This sequence change replaces histidine, which is basic and polar, with tyrosine, which is neutral and polar, at codon 328 of the GPC3 protein (p.His328Tyr). This variant is not present in population databases (gnomAD no frequency). This variant has not been reported in the literature in individuals affected with GPC3-related conditions. Invitae Evidence Modeling of protein sequence and biophysical properties (such as structural, functional, and spatial information, amino acid conservation, physicochemical variation, residue mobility, and thermodynamic stability) indicates that this missense variant is not expected to disrupt GPC3 protein function with a negative predictive value of 80%. In summary, the available evidence is currently insufficient to determine the role of this variant in disease. Therefore, it has been classified as a Variant of Uncertain Significance.

NM_004484.4(GPC3):c.982C>T (p.His328Tyr)

Gene: GPC3 (glypican 3; minus strand). Cytogenetic location: Xq26.2.
Variant type: single nucleotide variant.
Coding change: c.982C>T on transcript NM_004484.4 (MANE Select); coding-DNA position 982, C replaced by T.
Protein change: p.His328Tyr; replaces histidine 328 with tyrosine.
Molecular consequence: missense variant.
Genome position (GRCh38, 1-based): chrX:133,753,532, G>A on the plus strand (C>T on the coding strand, the complement: GPC3 is on the minus strand). VCF-style: chrX-133753532-G-A. GRCh37 (hg19) VCF-style: chrX-132887559-G-A.
Other names: c.982C>T, p.His328Tyr (NM_001164617.2); c.934C>T, p.His312Tyr (NM_001164618.2); c.820C>T, p.His274Tyr (NM_001164619.2); short protein forms H274Y, H312Y, H328Y.
Identifiers: ClinVar variation 3667500 (VCV003667500.2).